The following is an entry in ClinVar:

NM_024528.4(NKAP):c.939G>A (p.Leu313=)

Gene: NKAP (NFKB activating protein; minus strand). Cytogenetic location: Xq24.
Variant type: single nucleotide variant.
Coding change: c.939G>A on transcript NM_024528.4 (MANE Select); coding-DNA position 939, G replaced by A.
Protein change: p.Leu313=; no amino-acid change (leucine 313 retained).
Molecular consequence: synonymous variant.
Genome position (GRCh38, 1-based): chrX:119,930,150, C>T on the plus strand (G>A on the coding strand, the complement: NKAP is on the minus strand). VCF-style: chrX-119930150-C-T. GRCh37 (hg19) VCF-style: chrX-119064113-C-T.
Identifiers: ClinVar variation 4280932 (VCV004280932.7).

ClinVar aggregate classification (germline): Likely benign (1 of 4 stars; one submission).

gnomAD v4.1: 152 of 1,196,533 alleles (0.013%); highest among the groups gnomAD compares: South Asian, 0.098%; 2 homozygotes.

Submission:

CeGaT Center for Human Genetics Tuebingen
Classification: Likely benign. Last evaluated: 2025-09-01. Review status: criteria provided, single submitter. Criteria: CeGaT Center For Human Genetics Tuebingen Variant Classification Criteria Version 2. Collection method: clinical testing. Allele origin: germline. Affected: yes. Observed: 1 variant allele.
Comment: NKAP: BP4, BP7, BS2